The following is an entry in ClinVar:

ClinVar aggregate classification (germline): Uncertain significance (1 of 4 stars; one submission).

Submission:

Labcorp Genetics (formerly Invitae), Labcorp
Classification: Uncertain significance. Last evaluated: 2023-12-22. Review status: criteria provided, single submitter. Criteria: Invitae Variant Classification Sherloc (09022015). Collection method: clinical testing. Allele origin: germline.
Comment: This sequence change creates a premature translational stop signal (p.Asn933Lysfs*12) in the ANKRD26 gene. It is expected to result in an absent or disrupted protein product. However, the current clinical and genetic evidence is not sufficient to establish whether loss-of-function variants in ANKRD26 cause disease. This variant is not present in population databases (gnomAD no frequency). This variant has not been reported in the literature in individuals affected with ANKRD26-related conditions. Algorithms developed to predict the effect of sequence changes on RNA splicing suggest that this variant may disrupt the consensus splice site. In summary, the available evidence is currently insufficient to determine the role of this variant in disease. Therefore, it has been classified as a Variant of Uncertain Significance.

NM_014915.3(ANKRD26):c.2798dup (p.Asn933fs)

Gene: ANKRD26 (ankyrin repeat domain 26; minus strand). Cytogenetic location: 10p12.1.
Variant type: Duplication.
Coding change: c.2798dup on transcript NM_014915.3 (MANE Select); coding-DNA position 2798, one base duplicated (A; older notation c.2798dupA).
Protein change: p.Asn933fs; shifts the reading frame from asparagine 933.
Molecular consequence: frameshift variant.
Genome position (GRCh38, 1-based): chr10:27,035,652, T duplicated on the plus strand (A on the coding strand, the reverse complement: ANKRD26 is on the minus strand); the first of 6 consecutive T bases (chr10:27,035,652-27,035,657); duplicating any one gives the same sequence. VCF-style (leftmost placement, unchanged base first): chr10-27035651-A-AT. GRCh37 (hg19) VCF-style: chr10-27324580-A-AT.
Other names: c.2795dup, p.Asn932fs (NM_001256053.2); short protein forms N932fs, N933fs.
Identifiers: ClinVar variation 3018357 (VCV003018357.3), dbSNP rs2538767718, ClinGen allele CA2588527433.
Genomic context (GRCh38, chr10:27,035,651, plus strand): 5'-ATTCTTTTCTTTTACAATTTTAAGGTCCTCAAAACATTTCTTTTCTTTTTCCTGGTTTTG[A>AT]TTTTTTATTGTGTCTATTTCTAGTCTTAGCATAGCAATTTCTTCCTGCAACATGCTATTT-3'